The following is an entry in ClinVar:

ClinVar aggregate classification (germline): Uncertain significance. Review status: criteria provided, multiple submitters, no conflicts (2 of 4 stars). 2 submissions from 2 submitters: Uncertain significance (2). Last evaluated 2026-07-28.

Conditions:
CHARGE syndrome (CHARGE). Also called: Coloboma, heart anomaly, choanal atresia, retardation, genital and ear anomalies; CHARGE association; Hall-Hittner syndrome; Hittner Hirsch Kreh syndrome; CHARGE ASSOCIATION--COLOBOMA, HEART ANOMALY, CHOANAL ATRESIA, RETARDATION, GENITAL AND EAR ANOMALIES. Identifiers: Orphanet 138, MedGen C0265354, MONDO:0008965.

Allele frequency attached by ClinVar (database versions not stated): gnomAD exomes 0.00001.
gnomAD v4.1: 8 of 1,609,502 alleles (0.0005%); highest among the groups gnomAD compares: South Asian, 0.0033%; no homozygotes.

Submissions (2):

GeneDx
Classification: Uncertain significance. Last evaluated: 2026-07-28. Review status: criteria provided, single submitter. Criteria: GeneDx Variant Classification Process June 2021. Collection method: clinical testing. Allele origin: germline.
Comment: Not observed at significant frequency in large population cohorts (gnomAD); In silico analysis suggests that this missense variant does not alter protein structure/function; Has not been previously published as pathogenic or benign to our knowledge

Labcorp Genetics (formerly Invitae), Labcorp
Classification: Uncertain significance for CHARGE syndrome. Last evaluated: 2021-06-02. Review status: criteria provided, single submitter. Criteria: Invitae Variant Classification Sherloc (09022015). Collection method: clinical testing. Allele origin: germline.
Comment: The frequency data for this variant in the population databases is considered unreliable, as metrics indicate poor data quality at this position in the ExAC database. This variant has not been reported in the literature in individuals with CHD7-related conditions. Advanced modeling of protein sequence and biophysical properties (such as structural, functional, and spatial information, amino acid conservation, physicochemical variation, residue mobility, and thermodynamic stability) performed at Invitae indicates that this missense variant is not expected to disrupt CHD7 protein function. In summary, the available evidence is currently insufficient to determine the role of this variant in disease. Therefore, it has been classified as a Variant of Uncertain Significance. This sequence change replaces arginine with cysteine at codon 892 of the CHD7 protein (p.Arg892Cys). The arginine residue is highly conserved and there is a large physicochemical difference between arginine and cysteine.

NM_017780.4(CHD7):c.2674C>T (p.Arg892Cys)

Gene: CHD7 (chromodomain helicase DNA binding protein 7; plus strand). Cytogenetic location: 8q12.2.
Variant type: single nucleotide variant.
Coding change: c.2674C>T on transcript NM_017780.4 (MANE Select); coding-DNA position 2674, C replaced by T.
Protein change: p.Arg892Cys; replaces arginine 892 with cysteine.
Molecular consequence: missense variant. On other transcripts: intron variant (1).
Genome position (GRCh38, 1-based): chr8:60,820,067, C>T. VCF-style: chr8-60820067-C-T. GRCh37 (hg19) VCF-style: chr8-61732626-C-T.
Other names: c.1716+39017C>T (NM_001316690.1); short protein forms R892C.
Identifiers: ClinVar variation 1519998 (VCV001519998.10), dbSNP rs768961973, ClinGen allele CA4759790.
Genomic context (GRCh38, chr8:60,820,067, plus strand): 5'-ATTGAGGATGAGCTTTTTAATCCAGATTATGTGGAGGTTGACCGGATAATGGACTTTGCA[C>T]GTAGCACAGATGACCGGGGAGAGGTAACAGGAGATCATTTGTATTACAAAGTGGTGATTC-3'
Protein context (NP_060250.2, residues 882-902): VEVDRIMDFA[Arg892Cys]STDDRGEPVT